The following is an entry in ClinVar:

NM_001127222.2(CACNA1A):c.3006_3008del (p.Arg1004del)

Gene: CACNA1A (calcium voltage-gated channel subunit alpha1 A; minus strand). Cytogenetic location: 19p13.13.
Variant type: Deletion.
Coding change: c.3006_3008del on transcript NM_001127222.2 (MANE Select); coding-DNA positions 3006 to 3008, 3 bases deleted (GAG; older notation c.3006_3008delGAG).
Protein change: p.Arg1004del; deletes arginine 1004.
Molecular consequence: inframe deletion.
Genome position (GRCh38, 1-based): chr19:13,298,625-13,298,627, CTC deleted on the plus strand (GAG on the coding strand, the reverse complement: CACNA1A is on the minus strand); deleting any 3 consecutive bases within chr19:13,298,625-13,298,629 gives the same sequence; the c. name uses the placement nearest the transcript's 3' end. VCF-style (leftmost placement, unchanged base first): chr19-13298624-TCTC-T. GRCh37 (hg19) VCF-style: chr19-13409438-TCTC-T.
Other names: c.3018_3020del, p.Arg1008del (NM_000068.4, NM_023035.3); c.3009_3011del, p.Arg1005del (NM_001127221.2, NM_001174080.2); c.3009_3011delGAG (NM_001127221.1); short protein forms R1005del, R1004del, R1008del.
Identifiers: ClinVar variation 638485 (VCV000638485.6), dbSNP rs763302316, ClinGen allele CA9240441.
Genomic context (GRCh38, chr19:13,298,624, plus strand): 5'-CTCCTTGTCCTCCCTCCGCGCGTCCCCCTCGTACGTGGCTGGAGCGCCATGCCGGTGCCT[TCTC>T]CTGCGCTCGCCCCCGTCGGGGCCCTCGCCCTCGCCCTCGCCGCCCCGGGCCGGCCGGCTG-3'

ClinVar aggregate classification (germline): Uncertain significance. Review status: criteria provided, multiple submitters, no conflicts (2 of 4 stars). 2 submissions from 2 submitters: Uncertain significance (2). Last evaluated 2023-12-30.

Conditions:
Spinocerebellar ataxia type 6 (SCA6). Identifiers: Orphanet 98758, MedGen C0752124, MONDO:0008457, OMIM 183086.
Developmental and epileptic encephalopathy, 42 (DEE42A). Also called: Epileptic encephalopathy, early infantile, 42; DEVELOPMENTAL AND EPILEPTIC ENCEPHALOPATHY 42A; EPILEPTIC ENCEPHALOPATHY, EARLY INFANTILE, 42A. Identifiers: MedGen C4310716, MONDO:0014917, OMIM 617106.
Episodic ataxia type 2 (EA2). Also called: CEREBELLAR ATAXIA, PAROXYSMAL, ACETAZOLAMIDE-RESPONSIVE; CEREBELLOPATHY, HEREDITARY PAROXYSMAL; EPISODIC ATAXIA, NYSTAGMUS-ASSOCIATED; ATAXIA, EPISODIC, WITH NYSTAGMUS; ATAXIA, FAMILIAL PAROXYSMAL; ACETAZOLAMIDE-RESPONSIVE HEREDITARY PAROXYSMAL CEREBELLAR ATAXIA. Identifiers: Orphanet 97, MedGen C1720416, MONDO:0007163, OMIM 108500.

Submissions (2):

Labcorp Genetics (formerly Invitae), Labcorp
Classification: Uncertain significance for Developmental and epileptic encephalopathy, 42; Episodic ataxia type 2. Last evaluated: 2023-12-30. Review status: criteria provided, single submitter. Criteria: Invitae Variant Classification Sherloc (09022015). Collection method: clinical testing. Allele origin: germline.
Comment: This variant, c.3009_3011del, results in the deletion of 1 amino acid(s) of the CACNA1A protein (p.Arg1005del), but otherwise preserves the integrity of the reading frame. This variant is not present in population databases (gnomAD no frequency). This variant has not been reported in the literature in individuals affected with CACNA1A-related conditions. ClinVar contains an entry for this variant (Variation ID: 638485). Experimental studies and prediction algorithms are not available or were not evaluated, and the functional significance of this variant is currently unknown. In summary, the available evidence is currently insufficient to determine the role of this variant in disease. Therefore, it has been classified as a Variant of Uncertain Significance.

Genomic Research Center, Shahid Beheshti University of Medical Sciences
Classification: Uncertain significance for Spinocerebellar ataxia 6. Last evaluated: 2019-04-27. Review status: criteria provided, single submitter. Criteria: ACMG Guidelines, 2015. Collection method: clinical testing. Allele origin: unknown. Affected: yes.